The following is an entry in ClinVar:

ClinVar aggregate classification (germline): Uncertain significance. Review status: criteria provided, multiple submitters, no conflicts (2 of 4 stars). 2 submissions from 2 submitters: Uncertain significance (2). Last evaluated 2024-02-13.

Conditions:
Epileptic encephalopathy. Identifiers: MedGen C0543888, HP:0200134.

Allele frequency attached by ClinVar (database versions not stated): gnomAD exomes 0.00003; ExAC 0.00009; gnomAD 0.00026; TOPMed 0.00029.

Submissions (2):

Ambry Genetics
Classification: Uncertain significance. Last evaluated: 2024-02-13. Review status: criteria provided, single submitter. Criteria: Ambry Variant Classification Scheme 2023. Collection method: clinical testing. Allele origin: germline.

Labcorp Genetics (formerly Invitae), Labcorp
Classification: Uncertain significance for Epileptic encephalopathy. Last evaluated: 2023-12-18. Review status: criteria provided, single submitter. Criteria: Invitae Variant Classification Sherloc (09022015). Collection method: clinical testing. Allele origin: germline.
Comment: This sequence change replaces proline, which is neutral and non-polar, with leucine, which is neutral and non-polar, at codon 636 of the FASN protein (p.Pro636Leu). This variant is present in population databases (rs749177720, gnomAD 0.04%). This variant has not been reported in the literature in individuals affected with FASN-related conditions. ClinVar contains an entry for this variant (Variation ID: 579712). An algorithm developed to predict the effect of missense changes on protein structure and function (PolyPhen-2) suggests that this variant¬†is likely to be tolerated. In summary, the available evidence is currently insufficient to determine the role of this variant in disease. Therefore, it has been classified as a Variant of Uncertain Significance.

NM_004104.5(FASN):c.1907C>T (p.Pro636Leu)

Gene: FASN (fatty acid synthase; minus strand). Cytogenetic location: 17q25.3.
Variant type: single nucleotide variant.
Coding change: c.1907C>T on transcript NM_004104.5 (MANE Select); coding-DNA position 1907, C replaced by T.
Protein change: p.Pro636Leu; replaces proline 636 with leucine.
Molecular consequence: missense variant.
Genome position (GRCh38, 1-based): chr17:82,089,690, G>A on the plus strand (C>T on the coding strand, the complement: FASN is on the minus strand). VCF-style: chr17-82089690-G-A. GRCh37 (hg19) VCF-style: chr17-80047566-G-A.
Other names: short protein forms P636L.
Identifiers: ClinVar variation 579712 (VCV000579712.8), dbSNP rs749177720, ClinGen allele CA8852978.